The following is an entry in ClinVar:

ClinVar aggregate classification (germline): Uncertain significance (1 of 4 stars; one submission).

Conditions:
Inborn genetic diseases. Identifiers: MedGen C0950123, MeSH D030342.

Submission:

Ambry Genetics
Classification: Uncertain significance for Inborn genetic diseases. Last evaluated: 2025-11-03. Review status: criteria provided, single submitter. Criteria: Ambry Variant Classification Scheme 2023. Collection method: clinical testing. Allele origin: germline.
Comment: The c.353-5T>G intronic alteration consists of a T to G substitution 5 nucleotides before exon 6 (coding exon 5) of the TAOK1 gene. This variant was not reported in population-based cohorts in the Genome Aggregation Database (gnomAD). This nucleotide position is not well conserved in available vertebrate species. In silico splice site analysis predicts that this alteration may weaken the native splice acceptor site. Based on insufficient or conflicting evidence, the clinical significance of this alteration remains unclear.

NM_020791.4(TAOK1):c.353-5T>G

Gene: TAOK1 (TAO kinase 1; plus strand). Cytogenetic location: 17q11.2.
Variant type: single nucleotide variant.
Coding change: c.353-5T>G on transcript NM_020791.4 (MANE Select); 5 bases into the intron before coding-DNA position 353, T replaced by G.
Molecular consequence: intron variant.
Genome position (GRCh38, 1-based): chr17:29,478,246, T>G. VCF-style: chr17-29478246-T-G. GRCh37 (hg19) VCF-style: chr17-27805264-T-G.
Other names: c.353-5T>G (NM_025142.1).
Identifiers: ClinVar variation 4632645 (VCV004632645.1).